The following is an entry in ClinVar:

ClinVar aggregate classification (germline): Uncertain significance (1 of 4 stars; one submission).

Conditions:
Primary immunodeficiency with post-measles-mumps-rubella vaccine viral infection. Also called: Immunodeficiency 44. Identifiers: Orphanet 431166, MedGen C4225260, MONDO:0014715, OMIM 616636.

Allele frequency attached by ClinVar (database versions not stated): ExAC 0.00001; gnomAD exomes 0.00001 and 0.00002; TOPMed 0.00002.
gnomAD v4.1: 22 of 1,614,112 alleles (0.0014%); highest among the groups gnomAD compares: Non-Finnish European, 0.0018%; no homozygotes.

Submission:

Labcorp Genetics (formerly Invitae), Labcorp
Classification: Uncertain significance for Primary immunodeficiency with post-measles-mumps-rubella vaccine viral infection. Last evaluated: 2022-06-04. Review status: criteria provided, single submitter. Criteria: Invitae Variant Classification Sherloc (09022015). Collection method: clinical testing. Allele origin: germline.
Comment: This sequence change replaces arginine, which is basic and polar, with cysteine, which is neutral and slightly polar, at codon 836 of the STAT2 protein (p.Arg836Cys). This variant is present in population databases (rs752192658, gnomAD no frequency). This variant has not been reported in the literature in individuals affected with STAT2-related conditions. ClinVar contains an entry for this variant (Variation ID: 644497). Advanced modeling of protein sequence and biophysical properties (such as structural, functional, and spatial information, amino acid conservation, physicochemical variation, residue mobility, and thermodynamic stability) performed at Invitae indicates that this missense variant is not expected to disrupt STAT2 protein function. In summary, the available evidence is currently insufficient to determine the role of this variant in disease. Therefore, it has been classified as a Variant of Uncertain Significance.

NM_005419.4(STAT2):c.2506C>T (p.Arg836Cys)

Gene: STAT2 (signal transducer and activator of transcription 2; minus strand). Cytogenetic location: 12q13.3.
Variant type: single nucleotide variant.
Coding change: c.2506C>T on transcript NM_005419.4 (MANE Select); coding-DNA position 2506, C replaced by T.
Protein change: p.Arg836Cys; replaces arginine 836 with cysteine.
Molecular consequence: missense variant.
Genome position (GRCh38, 1-based): chr12:56,343,439, G>A on the plus strand (C>T on the coding strand, the complement: STAT2 is on the minus strand). VCF-style: chr12-56343439-G-A. GRCh37 (hg19) VCF-style: chr12-56737223-G-A.
Other names: c.2506C>T, p.Arg836Cys (LRG_1329t1); c.2494C>T, p.Arg832Cys (NM_198332.2); short protein forms R832C, R836C.
Identifiers: ClinVar variation 644497 (VCV000644497.4), dbSNP rs752192658, ClinGen allele CA6630231.